The following is an entry in ClinVar:

ClinVar aggregate classification (germline): Uncertain significance. Review status: criteria provided, multiple submitters, no conflicts (2 of 4 stars). 3 submissions from 3 submitters: Uncertain significance (2). 1 of the submissions does not count toward it. Last evaluated 2025-09-05.

Conditions:
Retinal dystrophy. Also called: Inherited retinal dystrophy. Identifiers: Orphanet 71862, MedGen C0854723, MeSH D058499, MONDO:0019118, HP:0000556.
Inborn genetic diseases. Identifiers: MedGen C0950123, MeSH D030342.

Allele frequency attached by ClinVar (database versions not stated): gnomAD exomes below 0.00001.
gnomAD v4.1: 7 of 1,614,262 alleles (0.00043%); highest among the groups gnomAD compares: Middle Eastern, 0.066%; no homozygotes.

Submissions (3):

Ambry Genetics
Classification: Uncertain significance for Inborn genetic diseases. Last evaluated: 2025-09-05. Review status: criteria provided, single submitter. Criteria: Ambry Variant Classification Scheme 2023. Collection method: clinical testing. Allele origin: germline.

Labcorp Genetics (formerly Invitae), Labcorp
Classification: Uncertain significance. Last evaluated: 2022-08-23. Review status: criteria provided, single submitter. Criteria: Invitae Variant Classification Sherloc (09022015). Collection method: clinical testing. Allele origin: germline.
Comment: This sequence change replaces glutamic acid, which is acidic and polar, with aspartic acid, which is acidic and polar, at codon 2329 of the NBAS protein (p.Glu2329Asp). This variant is not present in population databases (gnomAD no frequency). This variant has not been reported in the literature in individuals affected with NBAS-related conditions. ClinVar contains an entry for this variant (Variation ID: 1392084). Algorithms developed to predict the effect of missense changes on protein structure and function output the following: SIFT: "Deleterious"; PolyPhen-2: "Benign"; Align-GVGD: "Class C35". The aspartic acid amino acid residue is found in multiple mammalian species, which suggests that this missense change does not adversely affect protein function. In summary, the available evidence is currently insufficient to determine the role of this variant in disease. Therefore, it has been classified as a Variant of Uncertain Significance.

Institute of Human Genetics, Univ. Regensburg, Univ. Regensburg
Classification: Uncertain significance for Retinal dystrophy. Last evaluated: 2022-01-01. Review status: no assertion criteria provided. Criteria: ACMG Guidelines, 2015. Collection method: clinical testing. Allele origin: germline. Affected: yes. Not counted in ClinVar's aggregate classification.

NM_015909.4(NBAS):c.6987G>C (p.Glu2329Asp)

Gene: NBAS (NBAS subunit of NRZ tethering complex; minus strand). Cytogenetic location: 2p24.3.
Variant type: single nucleotide variant.
Coding change: c.6987G>C on transcript NM_015909.4 (MANE Select); coding-DNA position 6987, G replaced by C.
Protein change: p.Glu2329Asp; replaces glutamic acid 2329 with aspartic acid.
Molecular consequence: missense variant. On other transcripts: non-coding transcript variant (1).
Genome position (GRCh38, 1-based): chr2:15,167,177, C>G on the plus strand (G>C on the coding strand, the complement: NBAS is on the minus strand). VCF-style: chr2-15167177-C-G. GRCh37 (hg19) VCF-style: chr2-15307301-C-G.
Other names: c.6987G>C (NM_015909.2); short protein forms E2329D.
Identifiers: ClinVar variation 1392084 (VCV001392084.7), dbSNP rs764206961, ClinGen allele CA345911146.